The following is an entry in ClinVar:

ClinVar aggregate classification (germline): Likely benign (0 of 4 stars; one submission).

Conditions:
NEUROD1-related disorder. Also called: NEUROD1-related condition.

Submission:

PreventionGenetics, part of Exact Sciences
Classification: Likely benign for NEUROD1-related condition. Last evaluated: 2020-08-25. Review status: no assertion criteria provided. Collection method: clinical testing. Allele origin: germline.
Comment: This variant is classified as likely benign based on ACMG/AMP sequence variant interpretation guidelines (Richards et al. 2015 PMID: 25741868, with internal and published modifications).

NM_002500.5(NEUROD1):c.939C>T (p.Ser313=)

Gene: NEUROD1 (neuronal differentiation 1; minus strand). Cytogenetic location: 2q31.3.
Variant type: single nucleotide variant.
Coding change: c.939C>T on transcript NM_002500.5 (MANE Select); coding-DNA position 939, C replaced by T.
Protein change: p.Ser313=; no amino-acid change (serine 313 retained).
Molecular consequence: synonymous variant.
Genome position (GRCh38, 1-based): chr2:181,677,922, G>A on the plus strand (C>T on the coding strand, the complement: NEUROD1 is on the minus strand). VCF-style: chr2-181677922-G-A. GRCh37 (hg19) VCF-style: chr2-182542649-G-A.
Identifiers: ClinVar variation 3032881 (VCV003032881.2), dbSNP rs2468608839, ClinGen allele CA430452722.